The following is an entry in ClinVar:

ClinVar aggregate classification (germline): Conflicting classifications of pathogenicity. Review status: criteria provided, conflicting classifications (1 of 4 stars). 3 submissions from 3 submitters: Uncertain significance (1); Likely benign (2). Last evaluated 2025-06-01.

Conditions:
Hereditary cancer-predisposing syndrome. Also called: Neoplastic Syndromes, Hereditary; Hereditary Cancer Syndrome; Tumor predisposition; Hereditary neoplastic syndrome. Identifiers: Orphanet 140162, MedGen C0027672, MeSH D009386, MONDO:0015356.
Ataxia-telangiectasia syndrome (AT). Also called: LOUIS-BAR SYNDROME; Cerebello-oculocutaneous telangiectasia; Immunodeficiency with ataxia telangiectasia; Ataxia-telangiectasia, complementation group D; AT, COMPLEMENTATION GROUP C; Ataxia-telangiectasia, complementation group E. Identifiers: Orphanet 100, MedGen C0004135, MONDO:0008840, OMIM 208900.

Allele frequency attached by ClinVar (database versions not stated): gnomAD 0.00001; TOPMed 0.00002.
gnomAD v4.1: 4 of 1,593,528 alleles (0.00025%); highest among the groups gnomAD compares: African/African-American, 0.004%; no homozygotes.

Submissions (3):

Labcorp Genetics (formerly Invitae), Labcorp
Classification: Likely benign for Ataxia-telangiectasia syndrome. Last evaluated: 2025-06-01. Review status: criteria provided, single submitter. Criteria: Invitae Variant Classification Sherloc (09022015). Collection method: clinical testing. Allele origin: germline.

GeneDx
Classification: Uncertain significance. Last evaluated: 2023-04-05. Review status: criteria provided, single submitter. Criteria: GeneDx Variant Classification Process June 2021. Collection method: clinical testing. Allele origin: germline. Affected: yes.
Comment: Not observed at significant frequency in large population cohorts (gnomAD); In silico analysis supports that this variant does not alter splicing; Has not been previously published as pathogenic or benign to our knowledge

Ambry Genetics
Classification: Likely benign for Hereditary cancer-predisposing syndrome. Last evaluated: 2021-11-12. Review status: criteria provided, single submitter. Criteria: Ambry Variant Classification Scheme 2023. Collection method: clinical testing. Allele origin: germline.

NM_000051.4(ATM):c.8010+5T>A

Genes: ATM (ATM serine/threonine kinase; plus strand), C11orf65 (chromosome 11 open reading frame 65; minus strand). Cytogenetic location: 11q22.3.
Variant type: single nucleotide variant.
Coding change: c.8010+5T>A on transcript NM_000051.4 (MANE Select); 5 bases into the intron after coding-DNA position 8010, T replaced by A.
Molecular consequence: intron variant.
Genome position (GRCh38, 1-based): chr11:108,333,973, T>A. VCF-style: chr11-108333973-T-A. GRCh37 (hg19) VCF-style: chr11-108204700-T-A.
Other names: c.8010+5T>A (NM_001351834.2); c.641-24902A>T (NM_001330368.2); c.*38+1247A>T (NM_001351110.2).
Identifiers: ClinVar variation 479024 (VCV000479024.14), dbSNP rs56256497, ClinGen allele CA228419803.